The following is an entry in ClinVar:

ClinVar aggregate classification (germline): Uncertain significance (1 of 4 stars; one submission).

Submission:

Women's Health and Genetics/Laboratory Corporation of America, LabCorp
Classification: Uncertain significance. Last evaluated: 2024-09-18. Review status: criteria provided, single submitter. Criteria: LabCorp Variant Classification Summary - May 2015. Collection method: clinical testing. Allele origin: germline.
Comment: Variant summary: CIC c.-10899C>T is located in the untranscribed region upstream of the CIC gene region. The frequency data for this variant in gnomAD is considered unreliable, as metrics indicate poor data quality at this position. To our knowledge, no occurrence of c.-10899C>T in individuals affected with Mental Retardation, Autosomal Dominant 45 and no experimental evidence demonstrating its impact on protein function have been reported. No submitters have cited clinical-significance assessments for this variant to ClinVar. Based on the evidence outlined above, the variant was classified as uncertain significance.

NM_001386298.1(CIC):c.2023C>T (p.Pro675Ser)

Gene: CIC (capicua transcriptional repressor; plus strand). Cytogenetic location: 19q13.2.
Variant type: single nucleotide variant.
Coding change: c.2023C>T on transcript NM_001386298.1 (MANE Select); coding-DNA position 2023, C replaced by T.
Protein change: p.Pro675Ser; replaces proline 675 with serine.
Molecular consequence: missense variant. On other transcripts: genic upstream transcript variant (1).
Genome position (GRCh38, 1-based): chr19:42,273,806, C>T. VCF-style: chr19-42273806-C-T. GRCh37 (hg19) VCF-style: chr19-42777958-C-T.
Other names: c.2023C>T, p.Pro675Ser (NM_001304815.2, NM_001379480.1, NM_001379482.1); c.-10899C>T (NM_015125.5); short protein forms P675S.
Identifiers: ClinVar variation 3375414 (VCV003375414.1).